The following is an entry in ClinVar:

ClinVar aggregate classification (germline): Uncertain significance. Review status: criteria provided, multiple submitters, no conflicts (2 of 4 stars). 2 submissions from 2 submitters: Uncertain significance (2). Last evaluated 2025-09-05.

Conditions:
Inborn genetic diseases. Identifiers: MedGen C0950123, MeSH D030342.

Allele frequency attached by ClinVar (database versions not stated): TOPMed 0.00001; gnomAD 0.00003; gnomAD exomes 0.00004; ExAC 0.00012.
gnomAD v4.1: 63 of 1,613,956 alleles (0.0039%); highest among the groups gnomAD compares: South Asian, 0.058%; no homozygotes.

Submissions (2):

Ambry Genetics
Classification: Uncertain significance for Inborn genetic diseases. Last evaluated: 2025-09-05. Review status: criteria provided, single submitter. Criteria: Ambry Variant Classification Scheme 2023. Collection method: clinical testing. Allele origin: germline.

Labcorp Genetics (formerly Invitae), Labcorp
Classification: Uncertain significance. Last evaluated: 2025-03-10. Review status: criteria provided, single submitter. Criteria: Invitae Variant Classification Sherloc (09022015). Collection method: clinical testing. Allele origin: germline.
Comment: This sequence change replaces alanine, which is neutral and non-polar, with threonine, which is neutral and polar, at codon 721 of the POP1 protein (p.Ala721Thr). This variant is present in population databases (rs776024486, gnomAD 0.05%). This variant has not been reported in the literature in individuals affected with POP1-related conditions. ClinVar contains an entry for this variant (Variation ID: 2218667). An algorithm developed to predict the effect of missense changes on protein structure and function outputs the following: PolyPhen-2: "Benign". The threonine amino acid residue is found in multiple mammalian species, which suggests that this missense change does not adversely affect protein function. In summary, the available evidence is currently insufficient to determine the role of this variant in disease. Therefore, it has been classified as a Variant of Uncertain Significance.

NM_001145860.2(POP1):c.2161G>A (p.Ala721Thr)

Gene: POP1 (POP1 ribonuclease P/MRP subunit; plus strand). Cytogenetic location: 8q22.2.
Variant type: single nucleotide variant.
Coding change: c.2161G>A on transcript NM_001145860.2 (MANE Select); coding-DNA position 2161, G replaced by A.
Protein change: p.Ala721Thr; replaces alanine 721 with threonine.
Molecular consequence: missense variant.
Genome position (GRCh38, 1-based): chr8:98,156,153, G>A. VCF-style: chr8-98156153-G-A. GRCh37 (hg19) VCF-style: chr8-99168381-G-A.
Other names: c.2161G>A, p.Ala721Thr (NM_001145861.2, NM_015029.3); short protein forms A721T.
Identifiers: ClinVar variation 2218667 (VCV002218667.4), dbSNP rs776024486, ClinGen allele CA4820785.